The following is an entry in ClinVar:

ClinVar aggregate classification (germline): Pathogenic (1 of 4 stars; one submission).

Submission:

Labcorp Genetics (formerly Invitae), Labcorp
Classification: Pathogenic. Last evaluated: 2019-05-03. Review status: criteria provided, single submitter. Criteria: Invitae Variant Classification Sherloc (09022015). Collection method: clinical testing. Allele origin: germline.
Comment: This variant is an in-frame deletion of the genomic region encompassing exons 3-4 of the PARK2 gene. It preserves the integrity of the reading frame. Deletion of exons 3-4 has been reported in the literature in multiple individuals and families affected with early-onset Parkinson's disease (PMID: 10983716, 25833766, 24677602, 24375549). For these reasons, this variant has been classified as Pathogenic.

Literature cited by the submitters: PubMed 10983716; PubMed 25833766; PubMed 24375549; PubMed 24677602.

NC_000006.12:g.(?_162201121)_(162262775_?)del

Genes: LNCR-SMAL (lncRNA senescence and mitophagy associated regulator of PRKN; plus strand), PRKN (parkin RBR E3 ubiquitin protein ligase; minus strand), LOC126859871 (MED14-independent group 3 enhancer GRCh37_chr6:162621359-162622558; plus strand). Cytogenetic location: 6q26.
Variant type: Deletion.
Identifiers: ClinVar variation 650192 (VCV000650192.2).